The following is an entry in ClinVar:

ClinVar aggregate classification (germline): Likely benign. Review status: criteria provided, multiple submitters, no conflicts (2 of 4 stars). 4 submissions from 4 submitters: Likely benign (4). Last evaluated 2025-08-27.

Conditions:
Connective tissue disorder. Also called: Connective tissue disease. Identifiers: MedGen C0009782, MONDO:0003900.

Allele frequency attached by ClinVar (database versions not stated): ExAC 0.00002; ESP Exome Variant Server 0.00008; TOPMed 0.00010.
gnomAD v4.1: 52 of 1,613,976 alleles (0.0032%); highest among the groups gnomAD compares: African/African-American, 0.027%; no homozygotes.

Submissions (4):

Labcorp Genetics (formerly Invitae), Labcorp
Classification: Likely benign. Last evaluated: 2025-08-27. Review status: criteria provided, single submitter. Criteria: Invitae Variant Classification Sherloc (09022015). Collection method: clinical testing. Allele origin: germline.

Women's Health and Genetics/Laboratory Corporation of America, LabCorp
Classification: Likely benign. Last evaluated: 2024-09-23. Review status: criteria provided, single submitter. Criteria: LabCorp Variant Classification Summary - May 2015. Collection method: clinical testing. Allele origin: germline.

CeGaT Center for Human Genetics Tuebingen
Classification: Likely benign. Last evaluated: 2024-06-01. Review status: criteria provided, single submitter. Criteria: CeGaT Center For Human Genetics Tuebingen Variant Classification Criteria Version 2. Collection method: clinical testing. Allele origin: germline. Affected: yes. Observed: 1 variant allele.
Comment: COL2A1: BP4, BP7

Center for Human Genetics, Inc
Classification: Likely benign for Connective tissue disorder. Last evaluated: 2018-06-01. Review status: criteria provided, single submitter. Criteria: ACMG Guidelines, 2015. Collection method: clinical testing. Allele origin: germline. Affected: yes.

NM_001844.5(COL2A1):c.3756C>T (p.Asp1252=)

Gene: COL2A1 (collagen type II alpha 1 chain; minus strand). Cytogenetic location: 12q13.11.
Variant type: single nucleotide variant.
Coding change: c.3756C>T on transcript NM_001844.5 (MANE Select); coding-DNA position 3756, C replaced by T.
Protein change: p.Asp1252=; no amino-acid change (aspartic acid 1252 retained).
Molecular consequence: synonymous variant.
Genome position (GRCh38, 1-based): chr12:47,975,447, G>A on the plus strand (C>T on the coding strand, the complement: COL2A1 is on the minus strand). VCF-style: chr12-47975447-G-A. GRCh37 (hg19) VCF-style: chr12-48369230-G-A.
Other names: c.3549C>T, p.Asp1183= (NM_033150.3).
Identifiers: ClinVar variation 561287 (VCV000561287.28), dbSNP rs377079894, ClinGen allele CA6534651.